The following is an entry in ClinVar:

NM_000355.4(TCN2):c.102G>C (p.Leu34Phe)

Gene: TCN2 (transcobalamin 2; plus strand). Cytogenetic location: 22q12.2.
Variant type: single nucleotide variant.
Coding change: c.102G>C on transcript NM_000355.4 (MANE Select); coding-DNA position 102, G replaced by C.
Protein change: p.Leu34Phe; replaces leucine 34 with phenylalanine.
Molecular consequence: missense variant.
Genome position (GRCh38, 1-based): chr22:30,610,908, G>C. VCF-style: chr22-30610908-G-C. GRCh37 (hg19) VCF-style: chr22-31006895-G-C.
Other names: c.102G>C, p.Leu34Phe (NM_001184726.2); short protein forms L34F.
Identifiers: ClinVar variation 2321132 (VCV002321132.5), dbSNP rs1456362282, ClinGen allele CA411205701.

ClinVar aggregate classification (germline): Uncertain significance. Review status: criteria provided, multiple submitters, no conflicts (2 of 4 stars). 3 submissions from 3 submitters: Uncertain significance (3). Last evaluated 2024-07-23.

Conditions:
Inborn genetic diseases. Identifiers: MedGen C0950123, MeSH D030342.
Transcobalamin II deficiency (TCN2D). Also called: Transcolabamin II deficiency; TC II DEFICIENCY; TCN2 DEFICIENCY. Identifiers: Orphanet 859, MedGen C0342701, MONDO:0010149, OMIM 275350.

Allele frequency attached by ClinVar (database versions not stated): gnomAD exomes below 0.00001.
gnomAD v4.1: 1 of 1,614,152 alleles (0.000062%); highest among the groups gnomAD compares: African/African-American, 0.0013%; no homozygotes.

Submissions (3):

Blueprint Genetics
Classification: Uncertain significance. Last evaluated: 2024-07-23. Review status: criteria provided, single submitter. Criteria: ACMG Guidelines, 2015. Collection method: clinical testing. Allele origin: germline.

Labcorp Genetics (formerly Invitae), Labcorp
Classification: Uncertain significance for Transcobalamin II deficiency. Last evaluated: 2023-01-15. Review status: criteria provided, single submitter. Criteria: Invitae Variant Classification Sherloc (09022015). Collection method: clinical testing. Allele origin: germline.
Comment: This sequence change replaces leucine, which is neutral and non-polar, with phenylalanine, which is neutral and non-polar, at codon 34 of the TCN2 protein (p.Leu34Phe). This variant is not present in population databases (gnomAD no frequency). This variant has not been reported in the literature in individuals affected with TCN2-related conditions. Advanced modeling of protein sequence and biophysical properties (such as structural, functional, and spatial information, amino acid conservation, physicochemical variation, residue mobility, and thermodynamic stability) performed at Invitae indicates that this missense variant is expected to disrupt TCN2 protein function. In summary, the available evidence is currently insufficient to determine the role of this variant in disease. Therefore, it has been classified as a Variant of Uncertain Significance.

Ambry Genetics
Classification: Uncertain significance for Inborn genetic diseases. Last evaluated: 2022-10-27. Review status: criteria provided, single submitter. Criteria: Ambry Variant Classification Scheme 2023. Collection method: clinical testing. Allele origin: germline.